The following is an entry in ClinVar:

ClinVar aggregate classification (germline): Benign/Likely benign. Review status: criteria provided, multiple submitters, no conflicts (2 of 4 stars). 2 submissions from 2 submitters: Benign (1); Likely benign (1). Last evaluated 2024-10-02.

Conditions:
Occult macular dystrophy (OCMD). Also called: OCCULT MACULAR DYSTROPHY, SUSCEPTIBILITY TO; OMD. Identifiers: Orphanet 247834, MedGen C3150833, MONDO:0013316, OMIM 613587, HP:0030636.

Allele frequency attached by ClinVar (database versions not stated): gnomAD exomes 0.00006 and 0.00009; 1000 Genomes Project 0.00080; ExAC 0.00010; ESP Exome Variant Server 0.00024; gnomAD 0.00032; TOPMed 0.00040; 1000 Genomes Project 30x 0.00062.
gnomAD v4.1: 137 of 1,612,540 alleles (0.0085%); highest among the groups gnomAD compares: African/African-American, 0.11%; no homozygotes.

Submissions (2):

Blueprint Genetics
Classification: Likely benign. Last evaluated: 2024-10-02. Review status: criteria provided, single submitter. Criteria: ACMG Guidelines, 2015. Collection method: clinical testing. Allele origin: germline.

Illumina Laboratory Services, Illumina
Classification: Benign for Occult macular dystrophy. Last evaluated: 2018-01-13. Review status: criteria provided, single submitter. Criteria: ICSL Variant Classification Criteria 13 December 2019. Collection method: clinical testing. Allele origin: germline.
Comment: This variant was observed in the ICSL laboratory as part of a predisposition screen in an ostensibly healthy population. It had not been previously curated by ICSL or reported in the Human Gene Mutation Database (HGMD: prior to June 1st, 2018), and was therefore a candidate for classification through an automated scoring system. Utilizing variant allele frequency, disease prevalence and penetrance estimates, and inheritance mode, an automated score was calculated to assess if this variant is too frequent to cause the disease. Based on the score and internal cut-off values, a variant classified as benign is not then subjected to further curation. The score for this variant resulted in a classification of benign for this disease.

NM_178857.6(RP1L1):c.5727G>A (p.Pro1909=)

Gene: RP1L1 (RP1 like 1). Cytogenetic location: 8p23.1.
Variant type: single nucleotide variant.
Coding change: c.5727G>A on transcript NM_178857.6 (MANE Select); coding-DNA position 5727, G replaced by A.
Protein change: p.Pro1909=; no amino-acid change (proline 1909 retained).
Molecular consequence: synonymous variant.
Genome position (GRCh38, 1-based): chr8:10,608,371, C>T on the plus strand (G>A on the coding strand, the complement: RP1L1 is on the minus strand). VCF-style: chr8-10608371-C-T. GRCh37 (hg19) VCF-style: chr8-10465881-C-T.
Identifiers: ClinVar variation 911047 (VCV000911047.5), dbSNP rs144541636, ClinGen allele CA4623555.